The following is an entry in ClinVar:

ClinVar aggregate classification (germline): Uncertain significance. Review status: criteria provided, multiple submitters, no conflicts (2 of 4 stars). 5 submissions from 5 submitters: Uncertain significance (4). 1 of the submissions does not count toward it. Last evaluated 2024-04-23.

Conditions:
Hereditary cancer-predisposing syndrome. Also called: Tumor predisposition; Hereditary neoplastic syndrome; Neoplastic Syndromes, Hereditary; Hereditary Cancer Syndrome. Identifiers: Orphanet 140162, MedGen C0027672, MeSH D009386, MONDO:0015356.
Ataxia-telangiectasia syndrome (AT). Also called: Ataxia-telangiectasia, complementation group E; AT, COMPLEMENTATION GROUP C; ATAXIA-TELANGIECTASIA, COMPLEMENTATION GROUP A; ATAXIA-TELANGIECTASIA, FRESNO VARIANT; Ataxia-telangiectasia; LOUIS-BAR SYNDROME. Identifiers: Orphanet 100, MedGen C0004135, MONDO:0008840, OMIM 208900.

Allele frequency attached by ClinVar (database versions not stated): gnomAD exomes below 0.00001; gnomAD 0.00001; TOPMed 0.00001.
gnomAD v4.1: 3 of 1,613,922 alleles (0.00019%); highest among the groups gnomAD compares: South Asian, 0.0011%; no homozygotes.

Submissions (5):

Labcorp Genetics (formerly Invitae), Labcorp
Classification: Uncertain significance for Ataxia-telangiectasia syndrome. Last evaluated: 2024-04-23. Review status: criteria provided, single submitter. Criteria: Invitae Variant Classification Sherloc (09022015). Collection method: clinical testing. Allele origin: germline.
Comment: This sequence change replaces threonine, which is neutral and polar, with alanine, which is neutral and non-polar, at codon 939 of the ATM protein (p.Thr939Ala). This variant is not present in population databases (gnomAD no frequency). This variant has not been reported in the literature in individuals affected with ATM-related conditions. ClinVar contains an entry for this variant (Variation ID: 220615). Algorithms developed to predict the effect of missense changes on protein structure and function output the following: SIFT: "Not Available"; PolyPhen-2: "Benign"; Align-GVGD: "Not Available". The alanine amino acid residue is found in multiple mammalian species, which suggests that this missense change does not adversely affect protein function. In summary, the available evidence is currently insufficient to determine the role of this variant in disease. Therefore, it has been classified as a Variant of Uncertain Significance.

Color Diagnostics, LLC DBA Color Health
Classification: Uncertain significance for Hereditary cancer-predisposing syndrome. Last evaluated: 2023-12-05. Review status: criteria provided, single submitter. Criteria: ACMG Guidelines, 2015. Collection method: clinical testing. Allele origin: germline.
Comment: This missense variant replaces threonine with alanine at codon 939 of the ATM protein. Computational prediction suggests that this variant may not impact protein structure and function (internally defined REVEL score threshold <= 0.5, PMID: 27666373). To our knowledge, functional studies have not been reported for this variant. This variant has not been reported in individuals affected with ATM-related disorders in the literature. This variant has not been identified in the general population by the Genome Aggregation Database (gnomAD). The available evidence is insufficient to determine the role of this variant in disease conclusively. Therefore, this variant is classified as a Variant of Uncertain Significance.

Ambry Genetics
Classification: Uncertain significance for Hereditary cancer-predisposing syndrome. Last evaluated: 2023-11-03. Review status: criteria provided, single submitter. Criteria: Ambry Variant Classification Scheme 2023. Collection method: clinical testing. Allele origin: germline.
Comment: The p.T939A variant (also known as c.2815A>G), located in coding exon 17 of the ATM gene, results from an A to G substitution at nucleotide position 2815. The threonine at codon 939 is replaced by alanine, an amino acid with similar properties. This amino acid position is not well conserved in available vertebrate species. In addition, this alteration is predicted to be tolerated by in silico analysis. Since supporting evidence is limited at this time, the clinical significance of this alteration remains unclear.

GeneDx
Classification: Uncertain significance. Last evaluated: 2022-04-13. Review status: criteria provided, single submitter. Criteria: GeneDx Variant Classification Process June 2021. Collection method: clinical testing. Allele origin: germline. Affected: yes.
Comment: Not observed in large population cohorts (gnomAD); In silico analysis supports that this missense variant does not alter protein structure/function; Observed in an patient with pancreatic ductal adenocarcinoma; however, it is unclear whether this variant is somatic or germline (Principe 2022); This variant is associated with the following publications: (PMID: 35205643)

Natera, Inc.
Classification: Uncertain significance for Ataxia-telangiectasia. Last evaluated: 2021-02-22. Review status: no assertion criteria provided. Collection method: clinical testing. Allele origin: germline. Not counted in ClinVar's aggregate classification.

NM_000051.4(ATM):c.2815A>G (p.Thr939Ala)

Gene: ATM (ATM serine/threonine kinase; plus strand). Cytogenetic location: 11q22.3.
Variant type: single nucleotide variant.
Coding change: c.2815A>G on transcript NM_000051.4 (MANE Select); coding-DNA position 2815, A replaced by G.
Protein change: p.Thr939Ala; replaces threonine 939 with alanine.
Molecular consequence: missense variant.
Genome position (GRCh38, 1-based): chr11:108,268,586, A>G. VCF-style: chr11-108268586-A-G. GRCh37 (hg19) VCF-style: chr11-108139313-A-G.
Other names: c.2815A>G, p.Thr939Ala (NM_001351834.2); short protein forms T939A.
Identifiers: ClinVar variation 220615 (VCV000220615.26), dbSNP rs864622606, ClinGen allele CA350311.
Genomic context (GRCh38, chr11:108,268,586, plus strand): 5'-AGGGCAGCTGATATTCGGAGGAAATTGTTAATGTTAATTGATTCTAGCACGCTAGAACCT[A>G]CCAAATCCCTCCACCTGCATATGGTGAGTTACGTTAAATGAAGAAGCTCTTGGATTTTAT-3'
Protein context (NP_000042.3, residues 929-949): MLIDSSTLEP[Thr939Ala]KSLHLHMYLM